The following is an entry in ClinVar:

NM_014989.7(RIMS1):c.41C>T (p.Thr14Met)

Gene: RIMS1 (regulating synaptic membrane exocytosis 1; plus strand). Cytogenetic location: 6q13.
Variant type: single nucleotide variant.
Coding change: c.41C>T on transcript NM_014989.7 (MANE Select); coding-DNA position 41, C replaced by T.
Protein change: p.Thr14Met; replaces threonine 14 with methionine.
Molecular consequence: missense variant.
Genome position (GRCh38, 1-based): chr6:71,887,064, C>T. VCF-style: chr6-71887064-C-T. GRCh37 (hg19) VCF-style: chr6-72596767-C-T.
Other names: c.41C>T, p.Thr14Met (NM_001350411.1, NM_001350412.1, NM_001350413.1); short protein forms T14M.
Identifiers: ClinVar variation 1919410 (VCV001919410.5), dbSNP rs1582803774, ClinGen allele CA364817723.
Genomic context (GRCh38, chr6:71,887,064, plus strand): 5'-GGGGCGGGCAGGCCACGAAAATGTCCTCGGCCGTGGGGCCCCGCGGTCCTCGCCCACCCA[C>T]GGTGCCTCCCCCCATGCAAGAGCTGCCCGACCTGAGCCACCTGACCGAAGAGGAGAGGAA-3'
Protein context (NP_055804.2, residues 4-24): AVGPRGPRPP[Thr14Met]VPPPMQELPD

ClinVar aggregate classification (germline): Uncertain significance (1 of 4 stars; one submission).

Allele frequency attached by ClinVar (database versions not stated): gnomAD exomes below 0.00001; TOPMed 0.00001.
gnomAD v4.1: 2 of 1,613,506 alleles (0.00012%); highest among the groups gnomAD compares: Middle Eastern, 0.017%; no homozygotes.

Submission:

Labcorp Genetics (formerly Invitae), Labcorp
Classification: Uncertain significance. Last evaluated: 2022-10-19. Review status: criteria provided, single submitter. Criteria: Invitae Variant Classification Sherloc (09022015). Collection method: clinical testing. Allele origin: germline.
Comment: Algorithms developed to predict the effect of missense changes on protein structure and function are either unavailable or do not agree on the potential impact of this missense change (SIFT: "Deleterious"; PolyPhen-2: "Probably Damaging"; Align-GVGD: "Class C0"). This sequence change replaces threonine, which is neutral and polar, with methionine, which is neutral and non-polar, at codon 14 of the RIMS1 protein (p.Thr14Met). This variant is not present in population databases (gnomAD no frequency). This variant has not been reported in the literature in individuals affected with RIMS1-related conditions. In summary, the available evidence is currently insufficient to determine the role of this variant in disease. Therefore, it has been classified as a Variant of Uncertain Significance.